The following is an entry in ClinVar:

ClinVar aggregate classification (germline): Conflicting classifications of pathogenicity. Review status: criteria provided, conflicting classifications (1 of 4 stars). 4 submissions from 4 submitters: Uncertain significance (3); Likely benign (1). Last evaluated 2026-04-22.

Conditions:
Nemaline myopathy 2 (NEM2). Also called: Nemaline myopathy 2, autosomal recessive. Identifiers: MedGen C1850569, MONDO:0009725, OMIM 256030.

Allele frequency attached by ClinVar (database versions not stated): gnomAD exomes 0.00001; ExAC 0.00002; TOPMed 0.00003; gnomAD 0.00005.
gnomAD v4.1: 18 of 1,613,864 alleles (0.0011%); highest among the groups gnomAD compares: African/African-American, 0.019%; no homozygotes.

Submissions (4):

Women's Health and Genetics/Laboratory Corporation of America, LabCorp
Classification: Uncertain significance. Last evaluated: 2026-04-22. Review status: criteria provided, single submitter. Criteria: LabCorp Variant Classification Summary - May 2015. Collection method: clinical testing. Allele origin: germline.
Comment: Variant summary: NEB c.4186G>T (p.Ala1396Ser) results in a conservative amino acid change in the encoded protein sequence. Algorithms developed to predict the effect of missense changes on protein structure and function are either unavailable or do not agree on the potential impact of this missense change. The variant allele was found at a frequency of 1.2e-05 in 249260 control chromosomes. The available data on variant occurrences in the general population are insufficient to allow any conclusion about variant significance. To our knowledge, no occurrence of c.4186G>T in individuals affected with NEB-related conditions and no experimental evidence demonstrating its impact on protein function have been reported. ClinVar contains an entry for this variant (Variation ID: 2088551). Based on the evidence outlined above, the variant was classified as uncertain significance.

Labcorp Genetics (formerly Invitae), Labcorp
Classification: Likely benign for Nemaline myopathy 2. Last evaluated: 2025-10-24. Review status: criteria provided, single submitter. Criteria: Invitae Variant Classification Sherloc (09022015). Collection method: clinical testing. Allele origin: germline.

GeneDx
Classification: Uncertain significance. Last evaluated: 2023-09-28. Review status: criteria provided, single submitter. Criteria: GeneDx Variant Classification Process June 2021. Collection method: clinical testing. Allele origin: germline. Affected: yes.
Comment: Not observed at significant frequency in large population cohorts (gnomAD); In silico analysis supports that this missense variant does not alter protein structure/function; Has not been previously published as pathogenic or benign to our knowledge

Revvity Omics, Revvity
Classification: Uncertain significance. Last evaluated: 2021-12-10. Review status: criteria provided, single submitter. Criteria: ACMG Guidelines, 2015. Collection method: clinical testing. Allele origin: germline.

NM_001164508.2(NEB):c.4186G>T (p.Ala1396Ser)

Gene: NEB (nebulin; minus strand). Cytogenetic location: 2q23.3.
Variant type: single nucleotide variant.
Coding change: c.4186G>T on transcript NM_001164508.2 (MANE Select); coding-DNA position 4186, G replaced by T.
Protein change: p.Ala1396Ser; replaces alanine 1396 with serine.
Molecular consequence: missense variant.
Genome position (GRCh38, 1-based): chr2:151,672,482, C>A on the plus strand (G>T on the coding strand, the complement: NEB is on the minus strand). VCF-style: chr2-151672482-C-A. GRCh37 (hg19) VCF-style: chr2-152528996-C-A.
Other names: c.4186G>T, p.Ala1396Ser (NM_001164507.2, NM_001271208.2, NM_004543.5); short protein forms A1396S.
Identifiers: ClinVar variation 2088551 (VCV002088551.10), dbSNP rs759709450, ClinGen allele CA1910703.